The following is an entry in ClinVar:

ClinVar aggregate classification (germline): Uncertain significance (1 of 4 stars; one submission).

Submission:

Labcorp Genetics (formerly Invitae), Labcorp
Classification: Uncertain significance. Last evaluated: 2022-09-04. Review status: criteria provided, single submitter. Criteria: Invitae Variant Classification Sherloc (09022015). Collection method: clinical testing. Allele origin: germline.
Comment: Algorithms developed to predict the effect of missense changes on protein structure and function are either unavailable or do not agree on the potential impact of this missense change (SIFT: "Tolerated"; PolyPhen-2: "Possibly Damaging"; Align-GVGD: "Class C0"). In summary, the available evidence is currently insufficient to determine the role of this variant in disease. Therefore, it has been classified as a Variant of Uncertain Significance. Algorithms developed to predict the effect of sequence changes on RNA splicing suggest that this variant may disrupt the consensus splice site. This variant has not been reported in the literature in individuals affected with SLC34A3-related conditions. This variant is not present in population databases (gnomAD no frequency). This sequence change replaces asparagine, which is neutral and polar, with serine, which is neutral and polar, at codon 164 of the SLC34A3 protein (p.Asn164Ser).

NM_001177316.2(SLC34A3):c.491A>G (p.Asn164Ser)

Gene: SLC34A3 (solute carrier family 34 member 3; plus strand). Cytogenetic location: 9q34.3.
Variant type: single nucleotide variant.
Coding change: c.491A>G on transcript NM_001177316.2 (MANE Select); coding-DNA position 491, A replaced by G.
Protein change: p.Asn164Ser; replaces asparagine 164 with serine.
Molecular consequence: missense variant.
Genome position (GRCh38, 1-based): chr9:137,233,046, A>G. VCF-style: chr9-137233046-A-G. GRCh37 (hg19) VCF-style: chr9-140127498-A-G.
Other names: c.491A>G, p.Asn164Ser (NM_001177317.2, NM_080877.3); short protein forms N164S.
Identifiers: ClinVar variation 2110076 (VCV002110076.4), dbSNP rs2538803911, ClinGen allele CA375729974.